The following is an entry in ClinVar:

NM_000535.7(PMS2):c.23+6C>T

Gene: PMS2 (PMS1 homolog 2, mismatch repair system component; minus strand). Cytogenetic location: 7p22.1.
Variant type: single nucleotide variant.
Coding change: c.23+6C>T on transcript NM_000535.7 (MANE Select); 6 bases into the intron after coding-DNA position 23, C replaced by T.
Molecular consequence: intron variant. On other transcripts: 5 prime UTR variant (2).
Genome position (GRCh38, 1-based): chr7:6,008,991, G>A on the plus strand (C>T on the coding strand, the complement: PMS2 is on the minus strand). VCF-style: chr7-6008991-G-A. GRCh37 (hg19) VCF-style: chr7-6048622-G-A.
Other names: c.-567C>T (NM_001322005.2); c.-562C>T (NM_001322009.2); c.-53+6C>T (NM_001322008.2); c.-243+6C>T (NM_001322010.2, NM_001322004.2); c.-378+6C>T (NM_001322013.2, NM_001322003.2); c.-857+6C>T (NM_001322012.2); c.-457+6C>T (NM_001322015.2); c.-193+6C>T (NM_001322007.2); and 2 more.
Identifiers: ClinVar variation 371951 (VCV000371951.13), dbSNP rs779104357, ClinGen allele CA16042102.

ClinVar aggregate classification (germline): Likely benign. Review status: criteria provided, multiple submitters, no conflicts (2 of 4 stars). 3 submissions from 3 submitters: Likely benign (2). 1 of the submissions does not count toward it. Last evaluated 2025-11-23.

Conditions:
Lynch syndrome 4 (LYNCH4). Also called: Colorectal cancer, hereditary nonpolyposis, type 4; Hereditary non-polyposis colorectal cancer, type 4. Identifiers: Orphanet 144, MedGen C1838333, MONDO:0013699, OMIM 614337. Disease mechanism: loss of function.
Hereditary nonpolyposis colorectal neoplasms. Identifiers: MedGen C0009405, MeSH D003123.

gnomAD v4.1: 1 of 1,612,584 alleles (0.000062%); highest among the groups gnomAD compares: Non-Finnish European, 0.000085%; no homozygotes.

Submissions (3):

Labcorp Genetics (formerly Invitae), Labcorp
Classification: Likely benign for Hereditary nonpolyposis colorectal neoplasms. Last evaluated: 2025-11-23. Review status: criteria provided, single submitter. Criteria: Invitae Variant Classification Sherloc (09022015). Collection method: clinical testing. Allele origin: germline.

Myriad Genetics, Inc.
Classification: Likely benign for Lynch syndrome 4. Last evaluated: 2023-04-03. Review status: criteria provided, single submitter. Criteria: Myriad Autosomal Dominant, Autosomal Recessive and X-Linked Classification Criteria (2023). Collection method: clinical testing. Allele origin: unknown.
Comment: This variant is considered likely benign. This variant is intronic and is not expected to impact mRNA splicing.

Counsyl
Classification: Likely benign for Lynch syndrome 4. Last evaluated: 2016-09-07. Review status: no assertion criteria provided. Collection method: clinical testing. Allele origin: unknown. Not counted in ClinVar's aggregate classification.